The following is an entry in ClinVar:

NM_001197104.2(KMT2A):c.9713C>T (p.Ala3238Val)

Gene: KMT2A (lysine methyltransferase 2A; plus strand). Cytogenetic location: 11q23.3.
Variant type: single nucleotide variant.
Coding change: c.9713C>T on transcript NM_001197104.2 (MANE Select); coding-DNA position 9713, C replaced by T.
Protein change: p.Ala3238Val; replaces alanine 3238 with valine.
Molecular consequence: missense variant.
Genome position (GRCh38, 1-based): chr11:118,505,605, C>T. VCF-style: chr11-118505605-C-T. GRCh37 (hg19) VCF-style: chr11-118376320-C-T.
Other names: c.9803C>T, p.Ala3268Val (NM_001412597.1); c.9704C>T, p.Ala3235Val (NM_005933.4); short protein forms A3235V, A3238V, A3268V.
Identifiers: ClinVar variation 3668560 (VCV003668560.2).
Genomic context (GRCh38, chr11:118,505,605, plus strand): 5'-CCTCTGGACTCAAGAAAAGACCCATATCTCGTCTACAGACCCGAAAGAATAAAAAACTTG[C>T]TCCCTCTAGTACCCCTTCAAACATTGCCCCTTCTGATGTGGTTTCTAATATGACATTGAT-3'
Protein context (NP_001184033.1, residues 3228-3248): RLQTRKNKKL[Ala3238Val]PSSTPSNIAP

ClinVar aggregate classification (germline): Uncertain significance (1 of 4 stars; one submission).

gnomAD v4.1: 2 of 1,613,994 alleles (0.00012%); highest among the groups gnomAD compares: Admixed American, 0.0033%; no homozygotes.

Submission:

Labcorp Genetics (formerly Invitae), Labcorp
Classification: Uncertain significance. Last evaluated: 2024-06-22. Review status: criteria provided, single submitter. Criteria: Invitae Variant Classification Sherloc (09022015). Collection method: clinical testing. Allele origin: germline.
Comment: This sequence change replaces alanine, which is neutral and non-polar, with valine, which is neutral and non-polar, at codon 3238 of the KMT2A protein (p.Ala3238Val). This variant is present in population databases (rs782631753, gnomAD 0.003%). This variant has not been reported in the literature in individuals affected with KMT2A-related conditions. Advanced modeling of protein sequence and biophysical properties (such as structural, functional, and spatial information, amino acid conservation, physicochemical variation, residue mobility, and thermodynamic stability) performed at Invitae indicates that this missense variant is not expected to disrupt KMT2A protein function with a negative predictive value of 95%. In summary, the available evidence is currently insufficient to determine the role of this variant in disease. Therefore, it has been classified as a Variant of Uncertain Significance.